The following is an entry in ClinVar:

ClinVar aggregate classification (germline): Uncertain significance. Review status: criteria provided, multiple submitters, no conflicts (2 of 4 stars). 2 submissions from 2 submitters: Uncertain significance (2). Last evaluated 2024-07-04.

Allele frequency attached by ClinVar (database versions not stated): gnomAD exomes 0.00001 and 0.00003; TOPMed 0.00001; ExAC 0.00003; ESP Exome Variant Server 0.00016.
gnomAD v4.1: 45 of 1,609,226 alleles (0.0028%); highest among the groups gnomAD compares: Non-Finnish European, 0.0037%; no homozygotes.

Submissions (2):

Labcorp Genetics (formerly Invitae), Labcorp
Classification: Uncertain significance. Last evaluated: 2024-07-04. Review status: criteria provided, single submitter. Criteria: Invitae Variant Classification Sherloc (09022015). Collection method: clinical testing. Allele origin: germline.
Comment: This sequence change replaces aspartic acid, which is acidic and polar, with valine, which is neutral and non-polar, at codon 19 of the FSCN2 protein (p.Asp19Val). This variant is present in population databases (rs201652340, gnomAD 0.002%). This variant has not been reported in the literature in individuals affected with FSCN2-related conditions. ClinVar contains an entry for this variant (Variation ID: 940217). An algorithm developed to predict the effect of missense changes on protein structure and function (PolyPhen-2) suggests that this variant is likely to be tolerated. In summary, the available evidence is currently insufficient to determine the role of this variant in disease. Therefore, it has been classified as a Variant of Uncertain Significance.

Ambry Genetics
Classification: Uncertain significance. Last evaluated: 2024-03-01. Review status: criteria provided, single submitter. Criteria: Ambry Variant Classification Scheme 2023. Collection method: clinical testing. Allele origin: germline.

NM_012418.4(FSCN2):c.56A>T (p.Asp19Val)

Gene: FSCN2 (fascin actin-bundling protein 2, retinal; plus strand). Cytogenetic location: 17q25.3.
Variant type: single nucleotide variant.
Coding change: c.56A>T on transcript NM_012418.4 (MANE Select); coding-DNA position 56, A replaced by T.
Protein change: p.Asp19Val; replaces aspartic acid 19 with valine.
Molecular consequence: missense variant.
Genome position (GRCh38, 1-based): chr17:81,528,587, A>T. VCF-style: chr17-81528587-A-T. GRCh37 (hg19) VCF-style: chr17-79495613-A-T.
Other names: c.56A>T, p.Asp19Val (NM_001077182.3); short protein forms D19V.
Identifiers: ClinVar variation 940217 (VCV000940217.8), dbSNP rs201652340, ClinGen allele CA8836569.